The following is an entry in ClinVar:

NM_003000.3(SDHB):c.399G>A (p.Met133Ile)

Gene: SDHB (succinate dehydrogenase complex iron sulfur subunit B; minus strand). Cytogenetic location: 1p36.13.
Variant type: single nucleotide variant.
Coding change: c.399G>A on transcript NM_003000.3 (MANE Select); coding-DNA position 399, G replaced by A.
Protein change: p.Met133Ile; replaces methionine 133 with isoleucine.
Molecular consequence: missense variant. On other transcripts: intron variant (1).
Genome position (GRCh38, 1-based): chr1:17,028,624, C>T on the plus strand (G>A on the coding strand, the complement: SDHB is on the minus strand). VCF-style: chr1-17028624-C-T. GRCh37 (hg19) VCF-style: chr1-17355119-C-T.
Other names: c.369+30G>A (NM_001407361.1); short protein forms M133I.
Identifiers: ClinVar variation 2921910 (VCV002921910.3), dbSNP rs201403014, ClinGen allele CA338274119.

ClinVar aggregate classification (germline): Uncertain significance (1 of 4 stars; one submission).

Conditions:
Pheochromocytoma. Also called: MAX-Related Hereditary Paraganglioma-Pheochromocytoma Syndrome. Identifiers: Orphanet 29072, MedGen C0031511, MONDO:0008233, OMIM 171300, HP:0002666.
Gastrointestinal stromal tumor. Also called: Gastrointestinal stromal tumor, somatic; Gastrointestinal stroma tumor. Identifiers: Orphanet 44890, MedGen C0238198, MeSH D046152, MONDO:0011719, OMIM 606764, HP:0100723.
Pheochromocytoma/paraganglioma syndrome 4. Also called: CAROTID BODY TUMORS AND MULTIPLE EXTRAADRENAL PHEOCHROMOCYTOMAS; PARAGANGLIOMA, FAMILIAL MALIGNANT; PARAGANGLIOMAS, HEREDITARY EXTRAADRENAL; PHEOCHROMOCYTOMA, FAMILIAL EXTRAADRENAL; Paragangliomas 4; SDHB-Related Hereditary Paraganglioma-Pheochromocytoma Syndrome (Paragangliomas 4). Identifiers: Orphanet 29072, MedGen C1861848, MONDO:0007273, OMIM 115310.

Submission:

Labcorp Genetics (formerly Invitae), Labcorp
Classification: Uncertain significance for Gastrointestinal stromal tumor; Pheochromocytoma/paraganglioma syndrome 4; Pheochromocytoma. Last evaluated: 2025-01-26. Review status: criteria provided, single submitter. Criteria: Invitae Variant Classification Sherloc (09022015). Collection method: clinical testing. Allele origin: germline.
Comment: This sequence change replaces methionine, which is neutral and non-polar, with isoleucine, which is neutral and non-polar, at codon 133 of the SDHB protein (p.Met133Ile). This variant is not present in population databases (gnomAD no frequency). This variant has not been reported in the literature in individuals affected with SDHB-related conditions. ClinVar contains an entry for this variant (Variation ID: 2921910). Invitae Evidence Modeling of protein sequence and biophysical properties (such as structural, functional, and spatial information, amino acid conservation, physicochemical variation, residue mobility, and thermodynamic stability) has been performed for this missense variant. However, the output from this modeling did not meet the statistical confidence thresholds required to predict the impact of this variant on SDHB protein function. In summary, the available evidence is currently insufficient to determine the role of this variant in disease. Therefore, it has been classified as a Variant of Uncertain Significance.